The following is an entry in ClinVar:

NM_005502.4(ABCA1):c.1195-13C>T

Gene: ABCA1 (ATP binding cassette subfamily A member 1; minus strand). Cytogenetic location: 9q31.1.
Variant type: single nucleotide variant.
Coding change: c.1195-13C>T on transcript NM_005502.4 (MANE Select); 13 bases into the intron before coding-DNA position 1195, C replaced by T.
Molecular consequence: intron variant.
Genome position (GRCh38, 1-based): chr9:104,837,109, G>A on the plus strand (C>T on the coding strand, the complement: ABCA1 is on the minus strand). VCF-style: chr9-104837109-G-A. GRCh37 (hg19) VCF-style: chr9-107599390-G-A.
Identifiers: ClinVar variation 364447 (VCV000364447.22), dbSNP rs2297399, ClinGen allele CA5169079.

ClinVar aggregate classification (germline): Benign. Review status: criteria provided, multiple submitters, no conflicts (2 of 4 stars). 6 submissions from 5 submitters: Benign (6). Last evaluated 2026-02-04.

Conditions:
Tangier disease (TGD). Also called: HIGH DENSITY LIPOPROTEIN DEFICIENCY, TANGIER TYPE; HIGH DENSITY LIPOPROTEIN DEFICIENCY, TYPE 1; Cholesterol thesaurismosis. Identifiers: Orphanet 31150, MedGen C0039292, MONDO:0008783, OMIM 205400.
Hypoalphalipoproteinemia, primary, 1. Identifiers: Orphanet 425, MedGen C5231558, MONDO:0011393, OMIM 604091.

Allele frequency attached by ClinVar (database versions not stated): gnomAD 0.06528 and 0.05862; gnomAD exomes 0.07468 and 0.09145; ESP Exome Variant Server 0.05075; TOPMed 0.06353; ExAC 0.09050; 1000 Genomes Project 30x 0.11961; 1000 Genomes Project 0.12480.
gnomAD v4.1: 118,156 of 1,599,770 alleles (7.4%); highest among the groups gnomAD compares: East Asian, 39%; 6,962 homozygotes.

Submissions (6):

Labcorp Genetics (formerly Invitae), Labcorp
Classification: Benign. Last evaluated: 2026-02-04. Review status: criteria provided, single submitter. Criteria: Invitae Variant Classification Sherloc (09022015). Collection method: clinical testing. Allele origin: germline.

Women's Health and Genetics/Laboratory Corporation of America, LabCorp
Classification: Benign. Last evaluated: 2019-08-12. Review status: criteria provided, single submitter. Criteria: LabCorp Variant Classification Summary - May 2015. Collection method: clinical testing. Allele origin: germline.

GeneDx
Classification: Benign. Last evaluated: 2018-09-21. Review status: criteria provided, single submitter. Criteria: GeneDx Variant Classification Process June 2021. Collection method: clinical testing. Allele origin: germline. Affected: yes.

Illumina Laboratory Services, Illumina
Classification: Benign for Tangier disease. Last evaluated: 2018-01-12. Review status: criteria provided, single submitter. Criteria: ICSL Variant Classification Criteria 13 December 2019. Collection method: clinical testing. Allele origin: germline.
Comment: This variant was observed in the ICSL laboratory as part of a predisposition screen in an ostensibly healthy population. It had not been previously curated by ICSL or reported in the Human Gene Mutation Database (HGMD: prior to June 1st, 2018), and was therefore a candidate for classification through an automated scoring system. Utilizing variant allele frequency, disease prevalence and penetrance estimates, and inheritance mode, an automated score was calculated to assess if this variant is too frequent to cause the disease. Based on the score and internal cut-off values, a variant classified as benign is not then subjected to further curation. The score for this variant resulted in a classification of benign for this disease.

Illumina Laboratory Services, Illumina
Classification: Benign for Hypoalphalipoproteinemia, primary, 1. Last evaluated: 2018-01-12. Review status: criteria provided, single submitter. Criteria: ICSL Variant Classification Criteria 13 December 2019. Collection method: clinical testing. Allele origin: germline.
Comment: the same text as in the submission from Illumina Laboratory Services, Illumina above.

Breakthrough Genomics
Classification: Benign. Review status: criteria provided, single submitter. Criteria: ACMG Guidelines, 2015. Collection method: not provided. Allele origin: germline. Inheritance: Autosomal recessive inheritance. Affected: yes.